The following is an entry in ClinVar:

NM_022095.4(ZNF335):c.2595C>A (p.Asp865Glu)

Gene: ZNF335 (zinc finger protein 335; minus strand). Cytogenetic location: 20q13.12.
Variant type: single nucleotide variant.
Coding change: c.2595C>A on transcript NM_022095.4 (MANE Select); coding-DNA position 2595, C replaced by A.
Protein change: p.Asp865Glu; replaces aspartic acid 865 with glutamic acid.
Molecular consequence: missense variant.
Genome position (GRCh38, 1-based): chr20:45,953,796, G>T on the plus strand (C>A on the coding strand, the complement: ZNF335 is on the minus strand). VCF-style: chr20-45953796-G-T. GRCh37 (hg19) VCF-style: chr20-44582435-G-T.
Other names: short protein forms D865E.
Identifiers: ClinVar variation 130798 (VCV000130798.18), dbSNP rs41280276, ClinGen allele CA156084.

ClinVar aggregate classification (germline): Benign. Review status: criteria provided, multiple submitters, no conflicts (2 of 4 stars). 5 submissions from 5 submitters: Benign (4). 1 of the submissions does not count toward it. Last evaluated 2026-02-01.

Conditions:
Microcephalic primordial dwarfism due to ZNF335 deficiency. Also called: Primary autosomal recessive microcephaly 10. Identifiers: Orphanet 329228, MedGen C3554499, MONDO:0014043, OMIM 615095.

Allele frequency attached by ClinVar (database versions not stated): 1000 Genomes Project 0.02276; 1000 Genomes Project 30x 0.02280; gnomAD 0.04003; TOPMed 0.04339; ESP Exome Variant Server 0.04767; gnomAD exomes 0.06518.
gnomAD v4.1: 100,842 of 1,614,126 alleles (6.2%); highest among the groups gnomAD compares: Non-Finnish European, 7.5%; 3,647 homozygotes.

Submissions (5):

Labcorp Genetics (formerly Invitae), Labcorp
Classification: Benign. Last evaluated: 2026-02-01. Review status: criteria provided, single submitter. Criteria: Invitae Variant Classification Sherloc (09022015). Collection method: clinical testing. Allele origin: germline.

Genome-Nilou Lab
Classification: Benign for Microcephalic primordial dwarfism due to ZNF335 deficiency. Last evaluated: 2021-12-05. Review status: criteria provided, single submitter. Criteria: ACMG Guidelines, 2015. Collection method: clinical testing. Allele origin: germline. Affected: no.

GeneDx
Classification: Benign. Last evaluated: 2019-01-02. Review status: criteria provided, single submitter. Criteria: GeneDx Variant Classification Process June 2021. Collection method: clinical testing. Allele origin: germline. Affected: yes.

Breakthrough Genomics
Classification: Benign. Review status: criteria provided, single submitter. Criteria: ACMG Guidelines, 2015. Collection method: not provided. Allele origin: germline. Inheritance: Autosomal recessive inheritance. Affected: yes.

Genetic Services Laboratory, University of Chicago
Classification: Likely benign for AllHighlyPenetrant. Review status: no assertion criteria provided. Collection method: clinical testing. Allele origin: germline. Inheritance: Autosomal recessive inheritance. Not counted in ClinVar's aggregate classification.
Comment: Likely benign based on allele frequency in 1000 Genomes Project or ESP global frequency and its presence in a patient with a rare or unrelated disease phenotype. NOT Sanger confirmed.